The following is an entry in ClinVar:

ClinVar aggregate classification (germline): Uncertain significance (1 of 4 stars; one submission).

Conditions:
Charcot-Marie-Tooth disease axonal type 2L. Also called: Charcot-Marie-Tooth Neuropathy Type 2L; CHARCOT-MARIE-TOOTH DISEASE, AXONAL, AUTOSOMAL DOMINANT, TYPE 2L; CHARCOT-MARIE-TOOTH NEUROPATHY, AXONAL, TYPE 2L. Identifiers: Orphanet 99945, MedGen C1837552, MONDO:0012096, OMIM 608673.

gnomAD v4.1: 6 of 1,581,796 alleles (0.00038%); highest among the groups gnomAD compares: Admixed American, 0.0018%; no homozygotes.

Submission:

Labcorp Genetics (formerly Invitae), Labcorp
Classification: Uncertain significance for Charcot-Marie-Tooth disease axonal type 2L. Last evaluated: 2024-10-12. Review status: criteria provided, single submitter. Criteria: Invitae Variant Classification Sherloc (09022015). Collection method: clinical testing. Allele origin: germline.
Comment: This sequence change replaces valine, which is neutral and non-polar, with leucine, which is neutral and non-polar, at codon 119 of the HSPB8 protein (p.Val119Leu). This variant is present in population databases (no rsID available, gnomAD 0.003%). This variant has not been reported in the literature in individuals affected with HSPB8-related conditions. An algorithm developed to predict the effect of missense changes on protein structure and function (PolyPhen-2) suggests that this variant is likely to be disruptive. In summary, the available evidence is currently insufficient to determine the role of this variant in disease. Therefore, it has been classified as a Variant of Uncertain Significance.

NM_014365.3(HSPB8):c.355G>T (p.Val119Leu)

Gene: HSPB8 (heat shock protein family B (small) member 8; plus strand). Cytogenetic location: 12q24.23.
Variant type: single nucleotide variant.
Coding change: c.355G>T on transcript NM_014365.3 (MANE Select); coding-DNA position 355, G replaced by T.
Protein change: p.Val119Leu; replaces valine 119 with leucine.
Molecular consequence: missense variant.
Genome position (GRCh38, 1-based): chr12:119,179,667, G>T. VCF-style: chr12-119179667-G-T. GRCh37 (hg19) VCF-style: chr12-119617472-G-T.
Other names: short protein forms V119L.
Identifiers: ClinVar variation 3641879 (VCV003641879.2).